The following is an entry in ClinVar:

ClinVar aggregate classification (germline): Uncertain significance (1 of 4 stars; one submission).

Allele frequency attached by ClinVar (database versions not stated): gnomAD exomes below 0.00001; TOPMed below 0.00001; gnomAD 0.00001.

Submission:

Labcorp Genetics (formerly Invitae), Labcorp
Classification: Uncertain significance. Last evaluated: 2022-04-17. Review status: criteria provided, single submitter. Criteria: Invitae Variant Classification Sherloc (09022015). Collection method: clinical testing. Allele origin: germline.
Comment: This sequence change replaces isoleucine, which is neutral and non-polar, with threonine, which is neutral and polar, at codon 292 of the OSTM1 protein (p.Ile292Thr). This variant is present in population databases (no rsID available, gnomAD 0.003%). This variant has not been reported in the literature in individuals affected with OSTM1-related conditions. Algorithms developed to predict the effect of missense changes on protein structure and function (SIFT, PolyPhen-2, Align-GVGD) all suggest that this variant is likely to be disruptive. In summary, the available evidence is currently insufficient to determine the role of this variant in disease. Therefore, it has been classified as a Variant of Uncertain Significance.

NM_014028.4(OSTM1):c.875T>C (p.Ile292Thr)

Gene: OSTM1 (osteoclastogenesis associated transmembrane protein 1; minus strand). Cytogenetic location: 6q21.
Variant type: single nucleotide variant.
Coding change: c.875T>C on transcript NM_014028.4 (MANE Select); coding-DNA position 875, T replaced by C.
Protein change: p.Ile292Thr; replaces isoleucine 292 with threonine.
Molecular consequence: missense variant.
Genome position (GRCh38, 1-based): chr6:108,049,327, A>G on the plus strand (T>C on the coding strand, the complement: OSTM1 is on the minus strand). VCF-style: chr6-108049327-A-G. GRCh37 (hg19) VCF-style: chr6-108370531-A-G.
Other names: short protein forms I292T.
Identifiers: ClinVar variation 2084457 (VCV002084457.1), dbSNP rs1422100352, ClinGen allele CA365327166.